The following is an entry in ClinVar:

ClinVar aggregate classification (germline): Uncertain significance (1 of 4 stars; one submission).

Conditions:
Cardioacrofacial dysplasia 2. Identifiers: MedGen C5436886, MONDO:0030877, OMIM 619143.

Submission:

3billion
Classification: Uncertain significance for Cardioacrofacial dysplasia 2. Last evaluated: 2022-05-22. Review status: criteria provided, single submitter. Criteria: ACMG Guidelines, 2015. Collection method: clinical testing. Allele origin: germline. Affected: yes. Observed: 1 heterozygote.
Comment: The variant is not observed in the gnomAD v2.1.1 dataset. Missense changes are a common disease-causing mechanism. In silico tool predictions suggest damaging effect of the variant on gene or gene product (REVEL: 0.94; 3Cnet: 0.76). Therefore, this variant is classified as uncertain significanceaccording to the recommendation of ACMG/AMP guideline.

NM_182948.4(PRKACB):c.640G>C (p.Asp214His)

Gene: PRKACB (protein kinase cAMP-activated catalytic subunit beta; plus strand). Cytogenetic location: 1p31.1.
Variant type: single nucleotide variant.
Coding change: c.640G>C on transcript NM_182948.4 (MANE Select); coding-DNA position 640, G replaced by C.
Protein change: p.Asp214His; replaces aspartic acid 214 with histidine.
Molecular consequence: missense variant.
Genome position (GRCh38, 1-based): chr1:84,196,695, G>C. VCF-style: chr1-84196695-G-C. GRCh37 (hg19) VCF-style: chr1-84662378-G-C.
Other names: c.520G>C, p.Asp174His (NM_001242857.3, NM_001375569.1, NM_001375581.1); c.463G>C, p.Asp155His (NM_001242858.3, NM_001300917.2, NM_001375578.1); c.511G>C, p.Asp171His (NM_001242859.3, NM_001375572.1); c.517G>C, p.Asp173His (NM_001242860.3, NM_001300915.2, NM_001375571.1); c.409G>C, p.Asp137His (NM_001242861.3); c.460G>C, p.Asp154His (NM_001242862.3, NM_001375565.1, NM_001375579.1 and 1 more transcripts); c.640G>C, p.Asp214His (NM_001300916.2); c.508G>C, p.Asp170His (NM_001375560.1, NM_001375573.1, NM_001375575.1); and 5 more; short protein forms D137H, D154H, D155H, D162H, D163H, D165H, D166H, D167H.
Identifiers: ClinVar variation 1687603 (VCV001687603.1), dbSNP rs2101210885, ClinGen allele CA341108745.